The following is an entry in ClinVar:

NM_001018113.3(FANCB):c.1785C>G (p.Cys595Trp)

Gene: FANCB (FA complementation group B; minus strand). Cytogenetic location: Xp22.2.
Variant type: single nucleotide variant.
Coding change: c.1785C>G on transcript NM_001018113.3 (MANE Select); coding-DNA position 1785, C replaced by G.
Protein change: p.Cys595Trp; replaces cysteine 595 with tryptophan.
Molecular consequence: missense variant.
Genome position (GRCh38, 1-based): chrX:14,844,998, G>C on the plus strand (C>G on the coding strand, the complement: FANCB is on the minus strand). VCF-style: chrX-14844998-G-C. GRCh37 (hg19) VCF-style: chrX-14863120-G-C.
Other names: c.1785C>G, p.Cys595Trp (NM_001324162.2, NM_152633.4); short protein forms C595W.
Identifiers: ClinVar variation 840424 (VCV000840424.7), dbSNP rs1317998053, ClinGen allele CA412439629.

ClinVar aggregate classification (germline): Uncertain significance (1 of 4 stars; one submission).

Conditions:
Fanconi anemia (FA). Also called: Fanconi's anemia. Identifiers: Orphanet 84, MedGen C0015625, MeSH D005199, MONDO:0019391.

Allele frequency attached by ClinVar (database versions not stated): gnomAD exomes below 0.00001 and 0.00001.
gnomAD v4.1: 2 of 1,209,041 alleles (0.00017%); highest among the groups gnomAD compares: Middle Eastern, 0.046%; no homozygotes.

Submission:

Labcorp Genetics (formerly Invitae), Labcorp
Classification: Uncertain significance for Fanconi anemia. Last evaluated: 2022-03-03. Review status: criteria provided, single submitter. Criteria: Invitae Variant Classification Sherloc (09022015). Collection method: clinical testing. Allele origin: germline.
Comment: This sequence change replaces cysteine, which is neutral and slightly polar, with tryptophan, which is neutral and slightly polar, at codon 595 of the FANCB protein (p.Cys595Trp). This variant is present in population databases (no rsID available, gnomAD 0.001%). This variant has not been reported in the literature in individuals affected with FANCB-related conditions. ClinVar contains an entry for this variant (Variation ID: 840424). Algorithms developed to predict the effect of missense changes on protein structure and function are either unavailable or do not agree on the potential impact of this missense change (SIFT: "Deleterious"; PolyPhen-2: "Probably Damaging"; Align-GVGD: "Class C15"). Algorithms developed to predict the effect of sequence changes on RNA splicing suggest that this variant may create or strengthen a splice site. In summary, the available evidence is currently insufficient to determine the role of this variant in disease. Therefore, it has been classified as a Variant of Uncertain Significance.